The following is an entry in ClinVar:

ClinVar aggregate classification (germline): Uncertain significance (1 of 4 stars; one submission).

Allele frequency attached by ClinVar (database versions not stated): TOPMed 0.00001.
gnomAD v4.1: 4 of 1,611,976 alleles (0.00025%); highest among the groups gnomAD compares: Admixed American, 0.0067%; no homozygotes.

Submission:

Labcorp Genetics (formerly Invitae), Labcorp
Classification: Uncertain significance. Last evaluated: 2025-07-24. Review status: criteria provided, single submitter. Criteria: Invitae Variant Classification Sherloc (09022015). Collection method: clinical testing. Allele origin: germline.
Comment: This sequence change replaces threonine, which is neutral and polar, with serine, which is neutral and polar, at codon 718 of the AHDC1 protein (p.Thr718Ser). This variant is not present in population databases (gnomAD no frequency). This variant has not been reported in the literature in individuals affected with AHDC1-related conditions. ClinVar contains an entry for this variant (Variation ID: 1903111). An algorithm developed to predict the effect of missense changes on protein structure and function (PolyPhen-2) suggests that this variant is likely to be disruptive. Algorithms developed to predict the effect of sequence changes on RNA splicing suggest that this variant may create or strengthen a splice site. In summary, the available evidence is currently insufficient to determine the role of this variant in disease. Therefore, it has been classified as a Variant of Uncertain Significance.

NM_001371928.1(AHDC1):c.2153C>G (p.Thr718Ser)

Gene: AHDC1 (AT-hook DNA binding motif containing 1; minus strand). Cytogenetic location: 1p36.11.
Variant type: single nucleotide variant.
Coding change: c.2153C>G on transcript NM_001371928.1 (MANE Select); coding-DNA position 2153, C replaced by G.
Protein change: p.Thr718Ser; replaces threonine 718 with serine.
Molecular consequence: missense variant.
Genome position (GRCh38, 1-based): chr1:27,549,963, G>C on the plus strand (C>G on the coding strand, the complement: AHDC1 is on the minus strand). VCF-style: chr1-27549963-G-C. GRCh37 (hg19) VCF-style: chr1-27876474-G-C.
Other names: c.2153C>G, p.Thr718Ser (NM_001029882.3); short protein forms T718S.
Identifiers: ClinVar variation 1903111 (VCV001903111.5), dbSNP rs914647651, ClinGen allele CA19876614.